The following is an entry in ClinVar:

ClinVar aggregate classification (germline): Uncertain significance (1 of 4 stars; one submission).

Conditions:
Familial adenomatous polyposis 1 (FAP1). Also called: FAMILIAL ADENOMATOUS POLYPOSIS 1, ATTENUATED; POLYPOSIS, ADENOMATOUS INTESTINAL. Identifiers: MedGen C2713442, MONDO:0021056, OMIM 175100. Disease mechanism: loss of function.

Submission:

Labcorp Genetics (formerly Invitae), Labcorp
Classification: Uncertain significance for Familial adenomatous polyposis 1. Last evaluated: 2021-02-18. Review status: criteria provided, single submitter. Criteria: Invitae Variant Classification Sherloc (09022015). Collection method: clinical testing. Allele origin: germline.
Comment: This sequence change replaces serine with alanine at codon 1936 of the APC protein (p.Ser1936Ala). The serine residue is moderately conserved and there is a moderate physicochemical difference between serine and alanine. In summary, the available evidence is currently insufficient to determine the role of this variant in disease. Therefore, it has been classified as a Variant of Uncertain Significance. Algorithms developed to predict the effect of missense changes on protein structure and function (SIFT, PolyPhen-2, Align-GVGD) all suggest that this variant is likely to be tolerated, but these predictions have not been confirmed by published functional studies and their clinical significance is uncertain. This variant has not been reported in the literature in individuals with APC-related conditions. This variant is not present in population databases (ExAC no frequency).

NM_000038.6(APC):c.5806T>G (p.Ser1936Ala)

Gene: APC (APC regulator of Wnt signaling pathway; plus strand). Cytogenetic location: 5q22.2.
Variant type: single nucleotide variant.
Coding change: c.5806T>G on transcript NM_000038.6 (MANE Select); coding-DNA position 5806, T replaced by G.
Protein change: p.Ser1936Ala; replaces serine 1936 with alanine.
Molecular consequence: missense variant.
Genome position (GRCh38, 1-based): chr5:112,841,400, T>G. VCF-style: chr5-112841400-T-G. GRCh37 (hg19) VCF-style: chr5-112177097-T-G.
Other names: c.5326T>G, p.Ser1776Ala (NM_001354905.2); c.5806T>G, p.Ser1936Ala (NM_001127510.3, NM_001354895.2); c.5752T>G, p.Ser1918Ala (NM_001127511.3); c.5860T>G, p.Ser1954Ala (NM_001354896.2); c.5836T>G, p.Ser1946Ala (NM_001354897.2); c.5731T>G, p.Ser1911Ala (NM_001354898.2); c.5722T>G, p.Ser1908Ala (NM_001354899.2); c.5683T>G, p.Ser1895Ala (NM_001354900.2); and 5 more; short protein forms S1877A, S1946A, S1653A, S1835A, S1845A, S1895A, S1936A, S1776A.
Identifiers: ClinVar variation 1497045 (VCV001497045.8), dbSNP rs2149949702, ClinGen allele CA16034034.
Genomic context (GRCh38, chr5:112,841,400, plus strand): 5'-CAGCCAATAAATCGAGGTCAGCCTAAACCCATACTTCAGAAACAATCCACTTTTCCCCAG[T>G]CATCCAAAGACATACCAGACAGAGGGGCAGCAACTGATGAAAAGTTACAGAATTTTGCTA-3'
Protein context (NP_000029.2, residues 1926-1946): ILQKQSTFPQ[Ser1936Ala]SKDIPDRGAA